The following is an entry in ClinVar:

NM_004795.4(KL):c.*1455A>G

Gene: KL (klotho; plus strand). Cytogenetic location: 13q13.1.
Variant type: single nucleotide variant.
Coding change: c.*1455A>G on transcript NM_004795.4 (MANE Select); 1455 bases downstream of the stop codon, A replaced by G.
Molecular consequence: 3 prime UTR variant.
Genome position (GRCh38, 1-based): chr13:33,065,641, A>G. VCF-style: chr13-33065641-A-G. GRCh37 (hg19) VCF-style: chr13-33639778-A-G.
Identifiers: ClinVar variation 311726 (VCV000311726.5), dbSNP rs77174048, ClinGen allele CA10644193.

ClinVar aggregate classification (germline): Likely benign (1 of 4 stars; one submission).

Conditions:
Tumoral calcinosis, hyperphosphatemic, familial, 3. Identifiers: MedGen C4693864, MONDO:0060715, OMIM 617994.

Allele frequency attached by ClinVar (database versions not stated): gnomAD exomes 0.00228; gnomAD 0.01181 and 0.01269; TOPMed 0.01295; 1000 Genomes Project 0.01358; 1000 Genomes Project 30x 0.01437.
gnomAD v4.1: 1,852 of 179,490 alleles (1%); highest among the groups gnomAD compares: African/African-American, 4%; 39 homozygotes.

Submission:

Illumina Laboratory Services, Illumina
Classification: Likely benign for Tumoral calcinosis, hyperphosphatemic, familial, 3. Last evaluated: 2017-04-27. Review status: criteria provided, single submitter. Criteria: ICSL Variant Classification Criteria 13 December 2019. Collection method: clinical testing. Allele origin: germline.
Comment: This variant was observed as part of a predisposition screen in an ostensibly healthy population. A literature search was performed for the gene, cDNA change, and amino acid change (where applicable). No publications were found based on this search. Allele frequency data from public databases allowed determination this variant is unlikely to cause disease. Therefore, this variant is classified as likely benign.